The following is an entry in ClinVar:

ClinVar aggregate classification (germline): Pathogenic/Likely pathogenic. Review status: criteria provided, multiple submitters, no conflicts (2 of 4 stars). 3 submissions from 3 submitters: Pathogenic (1); Likely pathogenic (1). 1 of the submissions does not count toward it. Last evaluated 2025-08-21.

Conditions:
Developmental and epileptic encephalopathy. Identifiers: MedGen C5779964, MONDO:0100620.
Seizures, benign familial infantile, 3 (BFIS3). Also called: Familial neonatal seizures; CONVULSIONS, BENIGN FAMILIAL INFANTILE, 3. Identifiers: Orphanet 140927, Orphanet 306, MedGen C1843140, MONDO:0011904, OMIM 607745.
Developmental and epileptic encephalopathy, 11 (DEE11). Also called: Early infantile epileptic encephalopathy 11. Identifiers: Orphanet 1934, MedGen C3150987, MONDO:0013388, OMIM 613721.
Complex neurodevelopmental disorder. Identifiers: Orphanet 528084, MedGen C5568766, MONDO:0100038.

Submissions (3):

Labcorp Genetics (formerly Invitae), Labcorp
Classification: Pathogenic for Seizures, benign familial infantile, 3; Developmental and epileptic encephalopathy, 11. Last evaluated: 2025-08-21. Review status: criteria provided, single submitter. Criteria: Invitae Variant Classification Sherloc (09022015). Collection method: clinical testing. Allele origin: germline.
Comment: This sequence change replaces valine, which is neutral and non-polar, with alanine, which is neutral and non-polar, at codon 1408 of the SCN2A protein (p.Val1408Ala). This variant is not present in population databases (gnomAD no frequency). This missense change has been observed in individual(s) with SCN2A-related conditions (PMID: 33176815; internal data). In at least one individual the variant was observed to be de novo. ClinVar contains an entry for this variant (Variation ID: 650423). Invitae Evidence Modeling of protein sequence and biophysical properties (such as structural, functional, and spatial information, amino acid conservation, physicochemical variation, residue mobility, and thermodynamic stability) indicates that this missense variant is expected to disrupt SCN2A protein function with a positive predictive value of 95%. For these reasons, this variant has been classified as Pathogenic.

Rady Children's Institute for Genomic Medicine, Rady Children's Hospital San Diego
Classification: Likely pathogenic for EPILEPTIC ENCEPHALOPATHY, EARLY INFANTILE, 11. Last evaluated: 2018-11-25. Review status: criteria provided, single submitter. Criteria: ACMG Guidelines, 2015. Collection method: clinical testing. Allele origin: germline. Affected: yes. Observed: 1 variant allele.
Comment: This variant has not been previously reported or functionally characterized in the literature to our knowledge. It is absent from the ExAC and gnomAD population databases and thus is presumed to be rare. The variant is located in the functional domain of the protein (ion transport domain). The c.4223T>C (p.Val1408Ala) variant affects a highly conserved amino acid and is predicted by multiple in silico tools to have a deleterious effect on protein function. Analysis of the parental samples was negative for the variant, indicating this variant likely occurred as a de novo event. Based on the current available evidence, the c.4223T>C (p.Val1408Ala) variant is classified as likely pathogenic.

Neurology Department, Shenzhen Children's Hospital
Classification: Pathogenic for Developmental and epileptic encephalopathy. Last evaluated: 2022-02-16. Review status: no assertion criteria provided. Collection method: clinical testing. Allele origin: de novo. Affected: yes. Not counted in ClinVar's aggregate classification.

Literature cited by the submitters: PubMed 33176815 (cited by Labcorp Genetics (formerly Invitae), Labcorp).

NM_001040142.2(SCN2A):c.4223T>C (p.Val1408Ala)

Gene: SCN2A (sodium voltage-gated channel alpha subunit 2; plus strand). Cytogenetic location: 2q24.3.
Variant type: single nucleotide variant.
Coding change: c.4223T>C on transcript NM_001040142.2 (MANE Select); coding-DNA position 4223, T replaced by C.
Protein change: p.Val1408Ala; replaces valine 1408 with alanine.
Molecular consequence: missense variant.
Genome position (GRCh38, 1-based): chr2:165,374,935, T>C. VCF-style: chr2-165374935-T-C. GRCh37 (hg19) VCF-style: chr2-166231445-T-C.
Other names: c.4223T>C, p.Val1408Ala (NM_001040143.2, NM_001371246.1, NM_001371247.1 and 1 more transcripts); short protein forms V1408A.
Identifiers: ClinVar variation 650423 (VCV000650423.18), dbSNP rs1574716488, ClinGen allele CA349031660.